The following is an entry in ClinVar:

NM_004525.3(LRP2):c.9215A>G (p.Glu3072Gly)

Gene: LRP2 (LDL receptor related protein 2; minus strand). Cytogenetic location: 2q31.1.
Variant type: single nucleotide variant.
Coding change: c.9215A>G on transcript NM_004525.3 (MANE Select); coding-DNA position 9215, A replaced by G.
Protein change: p.Glu3072Gly; replaces glutamic acid 3072 with glycine.
Molecular consequence: missense variant.
Genome position (GRCh38, 1-based): chr2:169,188,083, T>C on the plus strand (A>G on the coding strand, the complement: LRP2 is on the minus strand). VCF-style: chr2-169188083-T-C. GRCh37 (hg19) VCF-style: chr2-170044593-T-C.
Other names: short protein forms E3072G.
Identifiers: ClinVar variation 1418340 (VCV001418340.6), dbSNP rs1455700545, ClinGen allele CA349156538.

ClinVar aggregate classification (germline): Uncertain significance (1 of 4 stars; one submission).

Allele frequency attached by ClinVar (database versions not stated): gnomAD exomes below 0.00001.
gnomAD v4.1: 1 of 1,614,178 alleles (0.000062%); highest among the groups gnomAD compares: South Asian, 0.0011%; no homozygotes.

Submission:

Labcorp Genetics (formerly Invitae), Labcorp
Classification: Uncertain significance. Last evaluated: 2021-09-29. Review status: criteria provided, single submitter. Criteria: Invitae Variant Classification Sherloc (09022015). Collection method: clinical testing. Allele origin: germline.
Comment: This variant has not been reported in the literature in individuals affected with LRP2-related conditions. This sequence change replaces glutamic acid with glycine at codon 3072 of the LRP2 protein (p.Glu3072Gly). The glutamic acid residue is moderately conserved and there is a moderate physicochemical difference between glutamic acid and glycine. This variant is not present in population databases (ExAC no frequency). Advanced modeling of protein sequence and biophysical properties (such as structural, functional, and spatial information, amino acid conservation, physicochemical variation, residue mobility, and thermodynamic stability) performed at Invitae indicates that this missense variant is not expected to disrupt LRP2 protein function. In summary, the available evidence is currently insufficient to determine the role of this variant in disease. Therefore, it has been classified as a Variant of Uncertain Significance.